The following is an entry in ClinVar:

ClinVar aggregate classification (germline): Uncertain significance. Review status: criteria provided, multiple submitters, no conflicts (2 of 4 stars). 2 submissions from 2 submitters: Uncertain significance (2). Last evaluated 2024-04-22.

Allele frequency attached by ClinVar (database versions not stated): gnomAD 0.00003; gnomAD exomes 0.00003; TOPMed 0.00003.
gnomAD v4.1: 51 of 1,610,478 alleles (0.0032%); highest among the groups gnomAD compares: Middle Eastern, 0.016%; no homozygotes.

Submissions (2):

GeneDx
Classification: Uncertain significance. Last evaluated: 2024-04-22. Review status: criteria provided, single submitter. Criteria: GeneDx Variant Classification Process June 2021. Collection method: clinical testing. Allele origin: germline. Affected: yes.
Comment: Not observed at significant frequency in large population cohorts (gnomAD); In silico analysis indicates that this missense variant does not alter protein structure/function; Has not been previously published as pathogenic or benign to our knowledge

Labcorp Genetics (formerly Invitae), Labcorp
Classification: Uncertain significance. Last evaluated: 2022-04-16. Review status: criteria provided, single submitter. Criteria: Invitae Variant Classification Sherloc (09022015). Collection method: clinical testing. Allele origin: germline.
Comment: This sequence change replaces glycine, which is neutral and non-polar, with serine, which is neutral and polar, at codon 1445 of the VPS13A protein (p.Gly1445Ser). This variant is present in population databases (rs773254839, gnomAD 0.003%). This variant has not been reported in the literature in individuals affected with VPS13A-related conditions. Algorithms developed to predict the effect of missense changes on protein structure and function output the following: SIFT: "Tolerated"; PolyPhen-2: "Benign"; Align-GVGD: "Class C0". The serine amino acid residue is found in multiple mammalian species, which suggests that this missense change does not adversely affect protein function. In summary, the available evidence is currently insufficient to determine the role of this variant in disease. Therefore, it has been classified as a Variant of Uncertain Significance.

NM_033305.3(VPS13A):c.4333G>A (p.Gly1445Ser)

Gene: VPS13A (vacuolar protein sorting 13 homolog A; plus strand). Cytogenetic location: 9q21.2.
Variant type: single nucleotide variant.
Coding change: c.4333G>A on transcript NM_033305.3 (MANE Select); coding-DNA position 4333, G replaced by A.
Protein change: p.Gly1445Ser; replaces glycine 1445 with serine.
Molecular consequence: missense variant.
Genome position (GRCh38, 1-based): chr9:77,314,585, G>A. VCF-style: chr9-77314585-G-A. GRCh37 (hg19) VCF-style: chr9-79929501-G-A.
Other names: c.4216G>A, p.Gly1406Ser (NM_001018037.2); c.4333G>A, p.Gly1445Ser (NM_001018038.3, NM_015186.4); c.4333G>A (NM_033305.2); short protein forms G1406S, G1445S.
Identifiers: ClinVar variation 2171062 (VCV002171062.2), dbSNP rs773254839, ClinGen allele CA194398859.